The following is an entry in ClinVar:

NM_201384.3(PLEC):c.5497C>T (p.Arg1833Trp)

Gene: PLEC (plectin; minus strand). Cytogenetic location: 8q24.3.
Variant type: single nucleotide variant.
Coding change: c.5497C>T on transcript NM_201384.3 (MANE Select); coding-DNA position 5497, C replaced by T.
Protein change: p.Arg1833Trp; replaces arginine 1833 with tryptophan.
Molecular consequence: missense variant.
Genome position (GRCh38, 1-based): chr8:143,924,432, G>A on the plus strand (C>T on the coding strand, the complement: PLEC is on the minus strand). VCF-style: chr8-143924432-G-A. GRCh37 (hg19) VCF-style: chr8-144998600-G-A.
Other names: c.5578C>T, p.Arg1860Trp (NM_000445.5); c.5455C>T, p.Arg1819Trp (NM_201378.4); c.5431C>T, p.Arg1811Trp (NM_201379.3); c.5908C>T, p.Arg1970Trp (NM_201380.4); c.5401C>T, p.Arg1801Trp (NM_201381.3); c.5497C>T, p.Arg1833Trp (NM_201382.4); c.5509C>T, p.Arg1837Trp (NM_201383.3); c.5578C>T (NM_000445.3); short protein forms R1801W, R1811W, R1819W, R1833W, R1837W, R1860W, R1970W.
Identifiers: ClinVar variation 999911 (VCV000999911.7), dbSNP rs781925230, ClinGen allele CA4926344.

ClinVar aggregate classification (germline): Uncertain significance. Review status: criteria provided, multiple submitters, no conflicts (2 of 4 stars). 2 submissions from 2 submitters: Uncertain significance (2). Last evaluated 2024-05-02.

Conditions:
Inborn genetic diseases. Identifiers: MedGen C0950123, MeSH D030342.
Autosomal recessive limb-girdle muscular dystrophy type 2Q (LGMDR17). Also called: MUSCULAR DYSTROPHY, LIMB-GIRDLE, AUTOSOMAL RECESSIVE 17. Identifiers: Orphanet 254361, MedGen C3150989, MONDO:0013390, OMIM 613723.
Epidermolysis bullosa simplex with nail dystrophy (EBS5D). Identifiers: MedGen C4225309, MONDO:0014661, OMIM 616487.
Epidermolysis bullosa simplex 5C, with pyloric atresia (EBS5C). Also called: PLEC-Related Epidermolysis Bullosa with Pyloric Atresia; Epidermolysis bullosa simplex with pyloric atresia; PLEC1-Related Epidermolysis Bullosa with Pyloric Atresia. Identifiers: Orphanet 158684, MedGen C2677349, MONDO:0012807, OMIM 612138.
Epidermolysis bullosa simplex, Ogna type (EBS5A). Also called: Pidermolysis bullosa simplex 5A, Ogna type; EPIDERMOLYSIS BULLOSA SIMPLEX 5A, OGNA TYPE. Identifiers: Orphanet 79401, MedGen C0432317, MONDO:0007555, OMIM 131950.
Epidermolysis bullosa simplex 5B, with muscular dystrophy (EBS5B). Also called: Epidermolysis bullosa simplex with muscular dystrophy; EPIDERMOLYSIS BULLOSA SIMPLEX AND LIMB-GIRDLE MUSCULAR DYSTROPHY. Identifiers: Orphanet 257, MedGen C2931072, MONDO:0009181, OMIM 226670.

Allele frequency attached by ClinVar (database versions not stated): TOPMed below 0.00001; ExAC 0.00003.
gnomAD v4.1: 17 of 1,581,608 alleles (0.0011%); highest among the groups gnomAD compares: Non-Finnish European, 0.0014%; no homozygotes.

Submissions (2):

Labcorp Genetics (formerly Invitae), Labcorp
Classification: Uncertain significance for Autosomal recessive limb-girdle muscular dystrophy type 2Q; Epidermolysis bullosa simplex, Ogna type; Epidermolysis bullosa simplex with nail dystrophy; Epidermolysis bullosa simplex 5C, with pyloric atresia; Epidermolysis bullosa simplex 5B, with muscular dystrophy. Last evaluated: 2024-05-02. Review status: criteria provided, single submitter. Criteria: Invitae Variant Classification Sherloc (09022015). Collection method: clinical testing. Allele origin: germline.
Comment: This sequence change replaces arginine, which is basic and polar, with tryptophan, which is neutral and slightly polar, at codon 1860 of the PLEC protein (p.Arg1860Trp). The frequency data for this variant in the population databases is considered unreliable, as metrics indicate poor data quality at this position in the gnomAD database. This variant has not been reported in the literature in individuals affected with PLEC-related conditions. ClinVar contains an entry for this variant (Variation ID: 999911). Experimental studies and prediction algorithms are not available or were not evaluated, and the functional significance of this variant is currently unknown. In summary, the available evidence is currently insufficient to determine the role of this variant in disease. Therefore, it has been classified as a Variant of Uncertain Significance.

Ambry Genetics
Classification: Uncertain significance for Inborn genetic diseases. Last evaluated: 2021-10-20. Review status: criteria provided, single submitter. Criteria: Ambry Variant Classification Scheme 2023. Collection method: clinical testing. Allele origin: germline.